The following is an entry in ClinVar:

NM_001364857.2(ADGRB2):c.1628C>T (p.Thr543Met)

Gene: ADGRB2 (adhesion G protein-coupled receptor B2; minus strand). Cytogenetic location: 1p35.2.
Variant type: single nucleotide variant.
Coding change: c.1628C>T on transcript NM_001364857.2 (MANE Select); coding-DNA position 1628, C replaced by T.
Protein change: p.Thr543Met; replaces threonine 543 with methionine.
Molecular consequence: missense variant.
Genome position (GRCh38, 1-based): chr1:31,741,683, G>A on the plus strand (C>T on the coding strand, the complement: ADGRB2 is on the minus strand). VCF-style: chr1-31741683-G-A. GRCh37 (hg19) VCF-style: chr1-32207284-G-A.
Other names: c.1628C>T, p.Thr543Met (NM_001294335.2, NM_001294336.2, NM_001703.2); short protein forms T543M.
Identifiers: ClinVar variation 2049864 (VCV002049864.4), dbSNP rs376951808, ClinGen allele CA735888.

ClinVar aggregate classification (germline): Uncertain significance (1 of 4 stars; one submission).

Allele frequency attached by ClinVar (database versions not stated): gnomAD 0.00002; TOPMed 0.00004; ESP Exome Variant Server 0.00008; ExAC 0.00006.
gnomAD v4.1: 37 of 1,613,906 alleles (0.0023%); highest among the groups gnomAD compares: Admixed American, 0.02%; no homozygotes.

Submission:

Labcorp Genetics (formerly Invitae), Labcorp
Classification: Uncertain significance. Last evaluated: 2022-08-22. Review status: criteria provided, single submitter. Criteria: Invitae Variant Classification Sherloc (09022015). Collection method: clinical testing. Allele origin: germline.
Comment: In summary, the available evidence is currently insufficient to determine the role of this variant in disease. Therefore, it has been classified as a Variant of Uncertain Significance. Algorithms developed to predict the effect of missense changes on protein structure and function output the following: SIFT: "Deleterious"; PolyPhen-2: "Not Available"; Align-GVGD: "Class C0". The methionine amino acid residue is found in multiple mammalian species, which suggests that this missense change does not adversely affect protein function. This variant has not been reported in the literature in individuals affected with ADGRB2-related conditions. This variant is present in population databases (rs376951808, gnomAD 0.04%). This sequence change replaces threonine, which is neutral and polar, with methionine, which is neutral and non-polar, at codon 543 of the ADGRB2 protein (p.Thr543Met).